The following is an entry in ClinVar:

ClinVar aggregate classification (germline): Likely pathogenic. Review status: criteria provided, multiple submitters, no conflicts (2 of 4 stars). 3 submissions from 3 submitters: Likely pathogenic (3). Last evaluated 2023-06-27.

Conditions:
Familial cancer of breast. Also called: hereditary breast carcinoma; BREAST CANCER, FAMILIAL; Hereditary breast cancer. Identifiers: Orphanet 227535, MedGen C0346153, MONDO:0016419, OMIM 114480. Disease mechanism: loss of function.

Submissions (4):

Myriad Genetics, Inc.
Classification: Likely pathogenic for Familial cancer of breast. Last evaluated: 2023-06-27. Review status: criteria provided, single submitter. Criteria: Myriad Autosomal Dominant, Autosomal Recessive and X-Linked Classification Criteria (2023). Collection method: clinical testing. Allele origin: unknown.
Comment: This variant is considered likely pathogenic. This variant occurs within a consensus splice junction and is predicted to result in abnormal mRNA splicing of either an out-of-frame exon or an in-frame exon necessary for protein stability and/or normal function.

Labcorp Genetics (formerly Invitae), Labcorp
Classification: Likely pathogenic for Familial cancer of breast. Last evaluated: 2022-02-20. Review status: criteria provided, single submitter. Criteria: Invitae Variant Classification Sherloc (09022015). Collection method: clinical testing. Allele origin: germline.
Comment: In summary, the currently available evidence indicates that the variant is pathogenic, but additional data are needed to prove that conclusively. Therefore, this variant has been classified as Likely Pathogenic. This sequence change affects an acceptor splice site in intron 8 of the CHEK2 gene. It is expected to disrupt RNA splicing. Variants that disrupt the donor or acceptor splice site typically lead to a loss of protein function (PMID: 16199547), and loss-of-function variants in CHEK2 are known to be pathogenic (PMID: 21876083, 24713400). This variant is not present in population databases (gnomAD no frequency). This variant has not been reported in the literature in individuals affected with CHEK2-related conditions. ClinVar contains an entry for this variant (Variation ID: 265674). Algorithms developed to predict the effect of sequence changes on RNA splicing suggest that this variant may disrupt the consensus splice site.

GeneDx
Classification: Likely pathogenic. Last evaluated: 2016-08-16. Review status: criteria provided, single submitter. Criteria: GeneDx Variant Classification (06012015). Collection method: clinical testing. Allele origin: germline. Affected: yes.
Comment: This apparently mosaic variant is denoted CHEK2 c.909-1G>T or IVS8-1G>T and consists of a G>Tnucleotide substitution at the -1 position of intron 8 of the CHEK2 gene. This variant destroys a canonical spliceacceptor site and is predicted to cause abnormal gene splicing, leading to either an abnormal message that is subjectto nonsense-mediated mRNA decay or to an abnormal protein product. This variant has not, to our knowledge, beenpublished in the literature. Based on the currently available information, we consider CHEK2 c.909-1G>T to be a likelypathogenic variant.

Dr. Peter K. Rogan Lab, Western University
No classification provided (evidence only). Condition: Thyroid cancer, nonmedullary, 1. Review status: no classification provided. Collection method: in vitro. Allele origin: not applicable. Functional consequence: retained intron. Not counted in ClinVar's aggregate classification.

Literature cited by the submitters: PubMed 16199547 (cited by Labcorp Genetics (formerly Invitae), Labcorp); PubMed 21876083 (cited by Labcorp Genetics (formerly Invitae), Labcorp); PubMed 24713400 (cited by Labcorp Genetics (formerly Invitae), Labcorp).

NM_007194.4(CHEK2):c.909-1G>T

Gene: CHEK2 (checkpoint kinase 2; minus strand). Cytogenetic location: 22q12.1.
Variant type: single nucleotide variant.
Coding change: c.909-1G>T on transcript NM_007194.4 (MANE Select); the canonical splice acceptor site of the intron before coding-DNA position 909, G replaced by T.
Molecular consequence: splice acceptor variant.
Genome position (GRCh38, 1-based): chr22:28,699,938, C>A on the plus strand (G>T on the coding strand, the complement: CHEK2 is on the minus strand). VCF-style: chr22-28699938-C-A. GRCh37 (hg19) VCF-style: chr22-29095926-C-A.
Other names: c.246-1G>T (NM_001437942.1, NM_001257387.3); c.708-1G>T (NM_001349956.3); c.909-1G>T (NM_145862.3); c.1002-1G>T (NM_001438295.1, NM_001438293.1); c.1038-1G>T (NM_001438294.1, NM_001005735.3).
Identifiers: ClinVar variation 265674 (VCV000265674.12), dbSNP rs886039721, ClinGen allele CA10588719.
Genomic context (GRCh38, chr22:28,699,938, plus strand): 5'-GTAGCTTCTTTCAGGCGTTTATTCCCCACCACTTTGTCAAACAGCTCTCCCCCTTCCATC[C>A]TGAAACACAAAGGCAAGGCAAGGGGTTCATTCCTGGGGGAAAACGCACTTGGACAGAAGA-3'